The following is an entry in ClinVar:

NM_013444.4(UBQLN2):c.1568C>T (p.Ala523Val)

Gene: UBQLN2 (ubiquilin 2; plus strand). Cytogenetic location: Xp11.21.
Variant type: single nucleotide variant.
Coding change: c.1568C>T on transcript NM_013444.4 (MANE Select); coding-DNA position 1568, C replaced by T.
Protein change: p.Ala523Val; replaces alanine 523 with valine.
Molecular consequence: missense variant.
Genome position (GRCh38, 1-based): chrX:56,565,441, C>T. VCF-style: chrX-56565441-C-T. GRCh37 (hg19) VCF-style: chrX-56591874-C-T.
Other names: short protein forms A523V.
Identifiers: ClinVar variation 2574517 (VCV002574517.4), dbSNP rs1428945175, ClinGen allele CA413380829.

ClinVar aggregate classification (germline): Uncertain significance. Review status: criteria provided, multiple submitters, no conflicts (2 of 4 stars). 2 submissions from 2 submitters: Uncertain significance (2). Last evaluated 2024-11-03.

Conditions:
Amyotrophic lateral sclerosis type 15. Also called: AMYOTROPHIC LATERAL SCLEROSIS 15 WITH FRONTOTEMPORAL DEMENTIA. Identifiers: Orphanet 803, MedGen C3275459, MONDO:0010459, OMIM 300857.

Allele frequency attached by ClinVar (database versions not stated): gnomAD 0.00001; TOPMed 0.00001.
gnomAD v4.1: 3 of 1,191,348 alleles (0.00025%); highest among the groups gnomAD compares: Non-Finnish European, 0.00023%; no homozygotes.

Submissions (2):

Labcorp Genetics (formerly Invitae), Labcorp
Classification: Uncertain significance for Amyotrophic lateral sclerosis type 15. Last evaluated: 2024-11-03. Review status: criteria provided, single submitter. Criteria: Invitae Variant Classification Sherloc (09022015). Collection method: clinical testing. Allele origin: germline.
Comment: This sequence change replaces alanine, which is neutral and non-polar, with valine, which is neutral and non-polar, at codon 523 of the UBQLN2 protein (p.Ala523Val). This variant is present in population databases (no rsID available, gnomAD 0.04%). This variant has not been reported in the literature in individuals affected with UBQLN2-related conditions. ClinVar contains an entry for this variant (Variation ID: 2574517). Experimental studies and prediction algorithms are not available or were not evaluated, and the functional significance of this variant is currently unknown. In summary, the available evidence is currently insufficient to determine the role of this variant in disease. Therefore, it has been classified as a Variant of Uncertain Significance.

GeneDx
Classification: Uncertain significance. Last evaluated: 2023-01-30. Review status: criteria provided, single submitter. Criteria: GeneDx Variant Classification Process June 2021. Collection method: clinical testing. Allele origin: germline. Affected: yes.
Comment: Not observed at significant frequency in large population cohorts (gnomAD); In silico analysis supports that this missense variant does not alter protein structure/function; Has not been previously published as pathogenic or benign to our knowledge